The following is an entry in ClinVar:

NM_004304.5(ALK):c.4825C>G (p.Leu1609Val)

Gene: ALK (ALK receptor tyrosine kinase; minus strand). Cytogenetic location: 2p23.2.
Variant type: single nucleotide variant.
Coding change: c.4825C>G on transcript NM_004304.5 (MANE Select); coding-DNA position 4825, C replaced by G.
Protein change: p.Leu1609Val; replaces leucine 1609 with valine.
Molecular consequence: missense variant.
Genome position (GRCh38, 1-based): chr2:29,193,262, G>C on the plus strand (C>G on the coding strand, the complement: ALK is on the minus strand). VCF-style: chr2-29193262-G-C. GRCh37 (hg19) VCF-style: chr2-29416128-G-C.
Other names: c.1621C>G, p.Leu541Val (NM_001353765.2); short protein forms L541V, L1609V.
Identifiers: ClinVar variation 825209 (VCV000825209.4), dbSNP rs57917930, ClinGen allele CA346460096.

ClinVar aggregate classification (germline): Uncertain significance (1 of 4 stars; one submission).

Conditions:
Hereditary cancer-predisposing syndrome. Also called: Neoplastic Syndromes, Hereditary; Tumor predisposition; Hereditary neoplastic syndrome; Hereditary Cancer Syndrome. Identifiers: Orphanet 140162, MedGen C0027672, MeSH D009386, MONDO:0015356.

Submission:

Ambry Genetics
Classification: Uncertain significance for Hereditary cancer-predisposing syndrome. Last evaluated: 2018-09-21. Review status: criteria provided, single submitter. Criteria: Ambry Variant Classification Scheme 2023. Collection method: clinical testing. Allele origin: germline.
Comment: The p.L1609V variant (also known as c.4825C>G), located in coding exon 29 of the ALK gene, results from a C to G substitution at nucleotide position 4825. The leucine at codon 1609 is replaced by valine, an amino acid with highly similar properties. This amino acid position is well conserved in available vertebrate species. In addition, this alteration is predicted to be tolerated by in silico analysis. Since supporting evidence is limited at this time, the clinical significance of this alteration remains unclear.